The following is an entry in ClinVar:

ClinVar aggregate classification (germline): Uncertain significance (1 of 4 stars; one submission).

Submission:

Ambry Genetics
Classification: Uncertain significance. Last evaluated: 2024-07-26. Review status: criteria provided, single submitter. Criteria: Ambry Variant Classification Scheme 2023. Collection method: clinical testing. Allele origin: germline.
Comment: The p.Q350R variant (also known as c.1049A>G), located in coding exon 12 of the NPAT gene, results from an A to G substitution at nucleotide position 1049. The glutamine at codon 350 is replaced by arginine, an amino acid with highly similar properties. This amino acid position is conserved. In addition, this alteration is predicted to be tolerated by in silico analysis. Based on the available evidence, the clinical significance of this variant remains unclear.

NM_002519.3(NPAT):c.1049A>G (p.Gln350Arg)

Gene: NPAT (nuclear protein, coactivator of histone transcription; minus strand). Cytogenetic location: 11q22.3.
Variant type: single nucleotide variant.
Coding change: c.1049A>G on transcript NM_002519.3 (MANE Select); coding-DNA position 1049, A replaced by G.
Protein change: p.Gln350Arg; replaces glutamine 350 with arginine.
Molecular consequence: missense variant.
Genome position (GRCh38, 1-based): chr11:108,176,329, T>C on the plus strand (A>G on the coding strand, the complement: NPAT is on the minus strand). VCF-style: chr11-108176329-T-C. GRCh37 (hg19) VCF-style: chr11-108047056-T-C.
Other names: c.1049A>G, p.Gln350Arg (NM_001321307.1); short protein forms Q350R.
Identifiers: ClinVar variation 3407178 (VCV003407178.1).